The following is an entry in ClinVar:

NM_000245.4(MET):c.3846A>G (p.Pro1282=)

Gene: MET (MET proto-oncogene, receptor tyrosine kinase; plus strand). Cytogenetic location: 7q31.2.
Variant type: single nucleotide variant.
Coding change: c.3846A>G on transcript NM_000245.4 (MANE Select); coding-DNA position 3846, A replaced by G.
Protein change: p.Pro1282=; no amino-acid change (proline 1282 retained).
Molecular consequence: synonymous variant.
Genome position (GRCh38, 1-based): chr7:116,795,702, A>G. VCF-style: chr7-116795702-A-G. GRCh37 (hg19) VCF-style: chr7-116435756-A-G.
Other names: c.3900A>G, p.Pro1300= (NM_001127500.3); c.2556A>G, p.Pro852= (NM_001324402.2).
Identifiers: ClinVar variation 2567679 (VCV002567679.3), dbSNP rs1309638201, ClinGen allele CA457462276.

ClinVar aggregate classification (germline): Benign/Likely benign. Review status: criteria provided, multiple submitters, no conflicts (2 of 4 stars). 2 submissions from 2 submitters: Benign (1); Likely benign (1). Last evaluated 2024-11-14.

Conditions:
Hereditary cancer-predisposing syndrome. Also called: Hereditary neoplastic syndrome; Hereditary Cancer Syndrome; Neoplastic Syndromes, Hereditary; Tumor predisposition. Identifiers: Orphanet 140162, MedGen C0027672, MeSH D009386, MONDO:0015356.
Papillary renal cell carcinoma type 1 (RCCP1). Also called: Renal adenocarcinoma; Renal cell carcinoma 1; Renal cell carcinoma, somatic; RENAL CELL CARCINOMA, PAPILLARY, 1, SOMATIC. Identifiers: Orphanet 47044, MedGen C1336839, OMIM 605074, HP:0011797.

Allele frequency attached by ClinVar (database versions not stated): gnomAD exomes below 0.00001; TOPMed below 0.00001; gnomAD 0.00001.
gnomAD v4.1: 2 of 1,613,992 alleles (0.00012%); highest among the groups gnomAD compares: African/African-American, 0.0027%; no homozygotes.

Submissions (2):

Myriad Genetics, Inc.
Classification: Benign for Papillary renal cell carcinoma type 1. Last evaluated: 2024-11-14. Review status: criteria provided, single submitter. Criteria: Myriad Autosomal Dominant, Autosomal Recessive and X-Linked Classification Criteria (2023). Collection method: clinical testing. Allele origin: unknown.
Comment: This variant is considered benign. This variant is a silent/synonymous amino acid change and it is not expected to impact splicing.

Ambry Genetics
Classification: Likely benign for Hereditary cancer-predisposing syndrome. Last evaluated: 2023-04-05. Review status: criteria provided, single submitter. Criteria: Ambry Variant Classification Scheme 2023. Collection method: clinical testing. Allele origin: germline.